The following is an entry in ClinVar:

ClinVar aggregate classification (germline): Uncertain significance (1 of 4 stars; one submission).

Conditions:
Inborn genetic diseases. Identifiers: MedGen C0950123, MeSH D030342.

Submission:

Ambry Genetics
Classification: Uncertain significance for Inborn genetic diseases. Last evaluated: 2026-06-27. Review status: criteria provided, single submitter. Criteria: Ambry Variant Classification Scheme 2023. Collection method: clinical testing. Allele origin: germline.
Comment: The p.P38S variant (also known as c.112C>T), located in coding exon 2 of the DDX41 gene, results from a C to T substitution at nucleotide position 112. The proline at codon 38 is replaced by serine, an amino acid with similar properties. This amino acid position is conserved. In addition, the in silico prediction for this alteration is inconclusive. Based on the available evidence, the clinical significance of this variant remains unclear.

NM_016222.4(DDX41):c.112C>T (p.Pro38Ser)

Gene: DDX41 (DEAD-box helicase 41; minus strand). Cytogenetic location: 5q35.3.
Variant type: single nucleotide variant.
Coding change: c.112C>T on transcript NM_016222.4 (MANE Select); coding-DNA position 112, C replaced by T.
Protein change: p.Pro38Ser; replaces proline 38 with serine.
Molecular consequence: missense variant. On other transcripts: 5 prime UTR variant (2).
Genome position (GRCh38, 1-based): chr5:177,516,751, G>A on the plus strand (C>T on the coding strand, the complement: DDX41 is on the minus strand). VCF-style: chr5-177516751-G-A. GRCh37 (hg19) VCF-style: chr5-176943752-G-A.
Other names: c.-544C>T (NM_001321732.2); c.-336C>T (NM_001321830.2); short protein forms P38S.
Identifiers: ClinVar variation 5035139 (VCV005035139.1).